The following is an entry in ClinVar:

ClinVar aggregate classification (germline): Conflicting classifications of pathogenicity. Review status: criteria provided, conflicting classifications (1 of 4 stars). 2 submissions from 2 submitters: Uncertain significance (1); Likely benign (1). Last evaluated 2025-03-07.

Conditions:
Primary ciliary dyskinesia. Also called: Ciliary dyskinesia. Identifiers: Orphanet 244, MedGen C0008780, MONDO:0016575, HP:0012265.

Allele frequency attached by ClinVar (database versions not stated): gnomAD exomes below 0.00001 and 0.00001.
gnomAD v4.1: 4 of 1,592,866 alleles (0.00025%); highest among the groups gnomAD compares: Non-Finnish European, 0.00034%; no homozygotes.

Submissions (2):

Labcorp Genetics (formerly Invitae), Labcorp
Classification: Likely benign for Primary ciliary dyskinesia. Last evaluated: 2025-03-07. Review status: criteria provided, single submitter. Criteria: Invitae Variant Classification Sherloc (09022015). Collection method: clinical testing. Allele origin: germline.

GeneDx
Classification: Uncertain significance. Last evaluated: 2019-09-26. Review status: criteria provided, single submitter. Criteria: GeneDx Variant Classification Process June 2021. Collection method: clinical testing. Allele origin: germline. Affected: yes.
Comment: Not observed at a significant frequency in large population cohorts (Lek et al., 2016); In silico analysis, which includes protein predictors and evolutionary conservation, supports a deleterious effect; Has not been previously published as pathogenic or benign to our knowledge

NM_001277115.2(DNAH11):c.7169C>T (p.Pro2390Leu)

Gene: DNAH11 (dynein axonemal heavy chain 11; plus strand). Cytogenetic location: 7p15.3.
Variant type: single nucleotide variant.
Coding change: c.7169C>T on transcript NM_001277115.2 (MANE Select); coding-DNA position 7169, C replaced by T.
Protein change: p.Pro2390Leu; replaces proline 2390 with leucine.
Molecular consequence: missense variant.
Genome position (GRCh38, 1-based): chr7:21,720,759, C>T. VCF-style: chr7-21720759-C-T. GRCh37 (hg19) VCF-style: chr7-21760377-C-T.
Other names: short protein forms P2390L.
Identifiers: ClinVar variation 1312433 (VCV001312433.5), dbSNP rs1395315449, ClinGen allele CA366943701.